The following is an entry in ClinVar:

NM_000426.4(LAMA2):c.9222del (p.Lys3074fs)

Gene: LAMA2 (laminin subunit alpha 2; plus strand). Cytogenetic location: 6q22.33.
Variant type: Deletion.
Coding change: c.9222del on transcript NM_000426.4 (MANE Select); coding-DNA position 9222, one base deleted (G; older notation c.9222delG).
Protein change: p.Lys3074fs; shifts the reading frame from lysine 3074.
Molecular consequence: frameshift variant.
Genome position (GRCh38, 1-based): chr6:129,516,200, G deleted. VCF-style (leftmost placement, unchanged base first): chr6-129516199-AG-A. GRCh37 (hg19) VCF-style: chr6-129837344-AG-A.
Other names: c.9210del, p.Lys3070fs (NM_001079823.2); c.9222delG (NM_000426.4); short protein forms K3070fs, K3074fs.
Identifiers: ClinVar variation 941014 (VCV000941014.2), dbSNP rs1787058325, ClinGen allele CA1139659339.
Genomic context (GRCh38, chr6:129,516,199, plus strand): 5'-ATTTGGTGCAGGACATTTCAAAGCTGAGCCCTCTTGCATTGCCTTTTTCAGATGACCTCA[AG>A]CAGTTTGGCCTAACAACCAGTATTCCGTTCCGAGGTTGCATCAGATCCCTGAAGCTCACC-3'

ClinVar aggregate classification (germline): Pathogenic/Likely pathogenic. Review status: criteria provided, multiple submitters, no conflicts (2 of 4 stars). 2 submissions from 2 submitters: Pathogenic (1); Likely pathogenic (1). Last evaluated 2025-05-05.

Conditions:
Merosin deficient congenital muscular dystrophy (MDC1A). Also called: Congenital merosin-deficient muscular dystrophy 1A; Congenital Muscular Dystrophy Type 1A (MDC1A). Identifiers: Orphanet 258, MedGen C1263858, MONDO:0011925, OMIM 607855.
Muscular dystrophy, limb-girdle, autosomal recessive 23. Identifiers: Orphanet 565837, MedGen C4748327, MONDO:0029136, OMIM 618138.
LAMA2-related muscular dystrophy (LAMA2-RD). Also called: Laminin alpha 2-related dystrophy. Identifiers: MedGen C5679788, MONDO:0100228.

Submissions (2):

First Genomix Gene Laboratory, Genetic Diagnostics Department
Classification: Likely pathogenic for Merosin deficient congenital muscular dystrophy; Muscular dystrophy, limb-girdle, autosomal recessive 23. Last evaluated: 2025-05-05. Review status: criteria provided, single submitter. Criteria: ACMG Guidelines, 2015. Collection method: clinical testing. Allele origin: germline. Inheritance: Autosomal recessive inheritance. Affected: no. Observed: 1 variant allele.

Labcorp Genetics (formerly Invitae), Labcorp
Classification: Pathogenic for Laminin alpha 2-related dystrophy. Last evaluated: 2019-06-11. Review status: criteria provided, single submitter. Criteria: Invitae Variant Classification Sherloc (09022015). Collection method: clinical testing. Allele origin: germline.
Comment: This sequence change results in a premature translational stop signal in the LAMA2 gene (p.Lys3074Asnfs*5). While this is not anticipated to result in nonsense mediated decay, it is expected to disrupt the last 49 amino acids of the LAMA2 protein. This variant is not present in population databases (ExAC no frequency). This variant has not been reported in the literature in individuals with LAMA2-related conditions. This variant disrupts the C-terminus of the LAMA2 protein. Other variant(s) that disrupt this region (p.Thr3080Asnfs*2) have been determined to be pathogenic (PMID: 20207543). This suggests that variants that disrupt this region of the protein are likely to be causative of disease. For these reasons, this variant has been classified as Pathogenic.

Literature cited by the submitters: PubMed 20207543 (cited by Labcorp Genetics (formerly Invitae), Labcorp).